The following is an entry in ClinVar:

NM_000543.5(SMPD1):c.1302del (p.Lys435fs)

Gene: SMPD1 (sphingomyelin phosphodiesterase 1; plus strand). Cytogenetic location: 11p15.4.
Variant type: Deletion.
Coding change: c.1302del on transcript NM_000543.5 (MANE Select); coding-DNA position 1302, one base deleted (G; older notation c.1302delG).
Protein change: p.Lys435fs; shifts the reading frame from lysine 435.
Molecular consequence: frameshift variant. On other transcripts: non-coding transcript variant (2).
Genome position (GRCh38, 1-based): chr11:6,393,655, G deleted. VCF-style (leftmost placement, unchanged base first): chr11-6393654-TG-T. GRCh37 (hg19) VCF-style: chr11-6414884-TG-T.
Other names: c.1302delG (NM_000543.5); c.1299del, p.Lys434fs (NM_001007593.3); c.1302del, p.Lys435fs (NM_001318087.2); c.381del, p.Lys128fs (NM_001318088.2); c.1170del, p.Lys391fs (NM_001365135.2); short protein forms K128fs, K391fs, K434fs, K435fs.
Identifiers: ClinVar variation 4689346 (VCV004689346.1).

ClinVar aggregate classification (germline): Pathogenic (1 of 4 stars; one submission).

Conditions:
Sphingomyelin/cholesterol lipidosis. Also called: Niemann-Pick disease. Identifiers: MedGen C0028064, MONDO:0001982.

Submission:

Women's Health and Genetics/Laboratory Corporation of America, LabCorp
Classification: Pathogenic for Sphingomyelin/cholesterol lipidosis. Last evaluated: 2026-01-16. Review status: criteria provided, single submitter. Criteria: LabCorp Variant Classification Summary - May 2015. Collection method: clinical testing. Allele origin: germline.
Comment: Variant summary: SMPD1 c.1302delG (p.Lys435ArgfsX11) results in a premature termination codon, predicted to cause a truncation of the encoded protein or absence of the protein due to nonsense mediated decay, which are commonly known mechanisms for disease. The variant was absent in 249060 control chromosomes. To our knowledge, no occurrence of c.1302delG in individuals affected with SMPD1-related conditions and no experimental evidence demonstrating its impact on protein function have been reported. The following publication has been ascertained in the context of this evaluation (PMID: 38866761). No submitters have cited clinical-significance assessments for this variant to ClinVar. Based on the evidence outlined above, the variant was classified as pathogenic.

Literature cited by the submitters: PubMed 38866761.